The following is an entry in ClinVar:

ClinVar aggregate classification (germline): Uncertain significance (1 of 4 stars; one submission).

gnomAD v4.1: 1 of 1,613,256 alleles (0.000062%); highest among the groups gnomAD compares: Non-Finnish European, 0.000085%; no homozygotes.

Submission:

GeneDx
Classification: Uncertain significance. Last evaluated: 2023-10-02. Review status: criteria provided, single submitter. Criteria: GeneDx Variant Classification Process June 2021. Collection method: clinical testing. Allele origin: germline. Affected: yes.
Comment: Not observed at significant frequency in large population cohorts (gnomAD); In silico analysis supports that this missense variant has a deleterious effect on protein structure/function; Has not been previously published as pathogenic or benign to our knowledge

NM_001854.4(COL11A1):c.5326G>C (p.Asp1776His)

Gene: COL11A1 (collagen type XI alpha 1 chain; minus strand). Cytogenetic location: 1p21.1.
Variant type: single nucleotide variant.
Coding change: c.5326G>C on transcript NM_001854.4 (MANE Select); coding-DNA position 5326, G replaced by C.
Protein change: p.Asp1776His; replaces aspartic acid 1776 with histidine.
Molecular consequence: missense variant. On other transcripts: non-coding transcript variant (1).
Genome position (GRCh38, 1-based): chr1:102,878,114, C>G on the plus strand (G>C on the coding strand, the complement: COL11A1 is on the minus strand). VCF-style: chr1-102878114-C-G. GRCh37 (hg19) VCF-style: chr1-103343670-C-G.
Other names: c.5209G>C, p.Asp1737His (NM_001190709.2); c.5362G>C, p.Asp1788His (NM_080629.3); c.4978G>C, p.Asp1660His (NM_080630.4); short protein forms D1660H, D1737H, D1776H, D1788H.
Identifiers: ClinVar variation 3252411 (VCV003252411.1), dbSNP rs2524144213.